The following is an entry in ClinVar:

NM_004415.4(DSP):c.7068G>A (p.Lys2356=)

Gene: DSP (desmoplakin; plus strand). Cytogenetic location: 6p24.3.
Variant type: single nucleotide variant.
Coding change: c.7068G>A on transcript NM_004415.4 (MANE Select); coding-DNA position 7068, G replaced by A.
Protein change: p.Lys2356=; no amino-acid change (lysine 2356 retained).
Molecular consequence: synonymous variant.
Genome position (GRCh38, 1-based): chr6:7,584,330, G>A. VCF-style: chr6-7584330-G-A. GRCh37 (hg19) VCF-style: chr6-7584563-G-A.
Other names: c.7068G>A (LRG_423t1, NM_004415.3); c.5271G>A, p.Lys1757= (NM_001008844.3); c.5739G>A, p.Lys1913= (NM_001319034.2).
Identifiers: ClinVar variation 413276 (VCV000413276.20), dbSNP rs762892811, ClinGen allele CA049064.

ClinVar aggregate classification (germline): Likely benign. Review status: criteria provided, multiple submitters, no conflicts (2 of 4 stars). 5 submissions from 5 submitters: Likely benign (5). Last evaluated 2025-11-05.

Conditions:
DSP-related disorder. Also called: DSP-related condition; DSP-related disorders.
Cardiovascular phenotype. Identifiers: MedGen CN230736.
Arrhythmogenic right ventricular dysplasia 8 (ARVD8). Also called: ARRHYTHMOGENIC RIGHT VENTRICULAR DYSPLASIA, FAMILIAL, 8; ARRHYTHMOGENIC RIGHT VENTRICULAR CARDIOMYOPATHY 8; Arrhythmogenic Right Ventricular Dysplasia/Cardiomyopathy 8. Identifiers: MedGen C1843896, MONDO:0011831, OMIM 607450.
Arrhythmogenic cardiomyopathy with wooly hair and keratoderma. Also called: Dilated cardiomyopathy with woolly hair and keratoderma; PALMOPLANTAR KERATODERMA WITH LEFT VENTRICULAR CARDIOMYOPATHY AND WOOLLY HAIR; Arrhythmogenic cardiomyopathy with woolly hair and keratoderma; Carvajal syndrome. Identifiers: Orphanet 65282, MedGen C1854063, MONDO:0011581, OMIM 605676.
Cardiomyopathy (CMYO). Also called: Cardiomyopathies. Identifiers: Orphanet 167848, MedGen C0878544, MONDO:0004994, HP:0001638. Inheritance: Various modes of inheritance.

Allele frequency attached by ClinVar (database versions not stated): gnomAD 0.00001; TOPMed 0.00002; gnomAD exomes 0.00004 and 0.00007; ExAC 0.00005.
gnomAD v4.1: 25 of 1,614,050 alleles (0.0015%); highest among the groups gnomAD compares: Admixed American, 0.035%; no homozygotes.

Submissions (5):

PreventionGenetics, part of Exact Sciences
Classification: Likely benign for DSP-related condition. Last evaluated: 2025-11-05. Review status: criteria provided, single submitter. Criteria: ACMG Guidelines, 2015. Collection method: clinical testing. Allele origin: germline.
Comment: This variant is classified as likely benign based on ACMG/AMP sequence variant interpretation guidelines (Richards et al. 2015 PMID: 25741868, with internal and published modifications).

CeGaT Center for Human Genetics Tuebingen
Classification: Likely benign. Last evaluated: 2025-11-01. Review status: criteria provided, single submitter. Criteria: CeGaT Center For Human Genetics Tuebingen Variant Classification Criteria Version 2. Collection method: clinical testing. Allele origin: germline. Affected: yes. Observed: 1 variant allele.
Comment: DSP: BP4, BP7

Labcorp Genetics (formerly Invitae), Labcorp
Classification: Likely benign for Arrhythmogenic cardiomyopathy with wooly hair and keratoderma; Arrhythmogenic right ventricular dysplasia 8. Last evaluated: 2025-01-06. Review status: criteria provided, single submitter. Criteria: Invitae Variant Classification Sherloc (09022015). Collection method: clinical testing. Allele origin: germline.

Color Diagnostics, LLC DBA Color Health
Classification: Likely benign for Cardiomyopathy. Last evaluated: 2022-11-06. Review status: criteria provided, single submitter. Criteria: ACMG Guidelines, 2015. Collection method: clinical testing. Allele origin: germline.

Ambry Genetics
Classification: Likely benign for Cardiovascular phenotype. Last evaluated: 2020-09-06. Review status: criteria provided, single submitter. Criteria: Ambry Variant Classification Scheme 2023. Collection method: clinical testing. Allele origin: germline.